The following is an entry in ClinVar:

ClinVar aggregate classification (germline): Likely pathogenic (1 of 4 stars; one submission).

Conditions:
GNE myopathy (NM). Also called: MYOPATHY, DISTAL, WITH OR WITHOUT RIMMED VACUOLES; IBM 2; Inclusion body myopathy autosomal recessive; Inclusion body myopathy quadriceps sparing; NONAKA DISTAL MYOPATHY; INCLUSION BODY MYOPATHY, HEREDITARY, AUTOSOMAL RECESSIVE. Identifiers: Orphanet 602, MedGen C1853926, MONDO:0011603, OMIM 605820.

Submission:

Natera, Inc.
Classification: Likely pathogenic for Nonaka myopathy. Last evaluated: 2025-09-08. Review status: criteria provided, single submitter. Criteria: Natera Variant Classification Schema (03/2026). Collection method: clinical testing. Allele origin: germline.
Comment: The c.256G>A variant in GNE is a missense variant predicted to cause substitution of glycine to arginine at amino acid 86. This variant is rare in the general population with a frequency below the threshold expected for the associated phenotype(s). This variant has been observed in one or more individuals affected with the associated recessive disease, as either homozygous or compound heterozygous with a second variant (PMID: 24695763). This variant has been identified in one or more affected individual with a phenotype highly consistent with the associated gene (PMID: 24695763). Computational prediction algorithms indicate this variant is likely to affect gene or protein function. Given the available evidence, this variant is classified as Likely Pathogenic.

Literature cited by the submitters: PubMed 24695763.

NM_005476.7(GNE):c.163G>A (p.Gly55Arg)

Gene: GNE (glucosamine (UDP-N-acetyl)-2-epimerase/N-acetylmannosamine kinase; minus strand). Cytogenetic location: 9p13.3.
Variant type: single nucleotide variant.
Coding change: c.163G>A on transcript NM_005476.7 (MANE Select); coding-DNA position 163, G replaced by A.
Protein change: p.Gly55Arg; replaces glycine 55 with arginine.
Molecular consequence: missense variant. On other transcripts: intron variant (3).
Genome position (GRCh38, 1-based): chr9:36,249,193, C>T on the plus strand (G>A on the coding strand, the complement: GNE is on the minus strand). VCF-style: chr9-36249193-C-T. GRCh37 (hg19) VCF-style: chr9-36249190-C-T.
Other names: c.256G>A, p.Gly86Arg (NM_001128227.3); c.163G>A, p.Gly55Arg (NM_001190383.3, NM_001374797.1); c.-13-2711G>A (NM_001190388.2, NM_001190384.3, NM_001374798.1); short protein forms G55R, G86R.
Identifiers: ClinVar variation 4814607 (VCV004814607.1).
Genomic context (GRCh38, chr9:36,249,193, plus strand): 5'-ACCCAAGCTCCTTCTAGCACACTGTTGCAATGAAGAATAAGAAAATGCTTTCATCTTACC[C>T]ATAGTCATCTATCAGGTGAGAGCCAAGTACCACAACATCAAGTTCAAAGAACTCAGGTTC-3'
Protein context (NP_005467.1, residues 45-65): VLGSHLIDDY[Gly55Arg]NTYRMIEQDD